The following is an entry in ClinVar:

ClinVar aggregate classification (germline): Benign/Likely benign (0 of 4 stars; one submission).

Submission:

ISCA site 4
Classification: Benign/Likely benign. Last evaluated: 2012-09-21. Review status: no assertion criteria provided. Collection method: clinical testing. Allele origin: unknown. Affected: yes. Observed: 11 variant alleles. Clinical features observed: Morphological abnormality of the central nervous system (HP:0007319), Global developmental delay (HP:0001263), Cryptorchidism (HP:0000028), Developmental delay AND/OR other significant developmental or morphological phenotypes, Abnormality of the salivary glands (HP:0010286), Microtia (HP:0008551), Fusion of the cerebellar hemispheres (HP:0006899), Seizure (HP:0001250), Abnormal facial shape (HP:0001999), Autism (HP:0000717).
Comment: Likely benign (10), Benign (1)

Copy number variation identified through the course of routine clinical cytogenomic testing in postnatal populations, with clinical assertions as classified by the original submitter.

GRCh38/hg38 15q11.2(chr15:24823754-24837359)x1

Genes: SNHG14 (small nucleolar RNA host gene 14; plus strand), SNRPN (small nuclear ribonucleoprotein polypeptide N; plus strand). Cytogenetic location: 15q11.2.
Variant type: copy number loss.
Change: copy number 1 (one copy instead of two) of chr15:24,823,754-24,837,359 (13.6 kb, GRCh38 coordinates, 1-based), cytogenetic band 15q11.2.
Identifiers: ClinVar variation 149498 (VCV000149498.2).